The following is an entry in ClinVar:

ClinVar aggregate classification (germline): Uncertain significance (1 of 4 stars; one submission).

Conditions:
Inborn genetic diseases. Identifiers: MedGen C0950123, MeSH D030342.

gnomAD v4.1: 1 of 1,613,906 alleles (0.000062%); highest among the groups gnomAD compares: Non-Finnish European, 0.000085%; no homozygotes.

Submission:

Ambry Genetics
Classification: Uncertain significance for Inborn genetic diseases. Last evaluated: 2025-04-29. Review status: criteria provided, single submitter. Criteria: Ambry Variant Classification Scheme 2023. Collection method: clinical testing. Allele origin: germline.
Comment: The p.F289I variant (also known as c.865T>A), located in coding exon 1 of the SAMD9 gene, results from a T to A substitution at nucleotide position 865. The phenylalanine at codon 289 is replaced by isoleucine, an amino acid with highly similar properties. This amino acid position is conserved. In addition, the in silico prediction for this alteration is inconclusive. Based on the available evidence, the clinical significance of this variant remains unclear.

NM_017654.4(SAMD9):c.865T>A (p.Phe289Ile)

Gene: SAMD9 (sterile alpha motif domain containing 9; minus strand). Cytogenetic location: 7q21.2.
Variant type: single nucleotide variant.
Coding change: c.865T>A on transcript NM_017654.4 (MANE Select); coding-DNA position 865, T replaced by A.
Protein change: p.Phe289Ile; replaces phenylalanine 289 with isoleucine.
Molecular consequence: missense variant.
Genome position (GRCh38, 1-based): chr7:93,105,233, A>T on the plus strand (T>A on the coding strand, the complement: SAMD9 is on the minus strand). VCF-style: chr7-93105233-A-T. GRCh37 (hg19) VCF-style: chr7-92734546-A-T.
Other names: c.865T>A, p.Phe289Ile (NM_001193307.2); short protein forms F289I.
Identifiers: ClinVar variation 3949595 (VCV003949595.1).